The following is an entry in ClinVar:

ClinVar aggregate classification (germline): Pathogenic (1 of 4 stars; one submission).

Conditions:
3-methylcrotonyl-CoA carboxylase 1 deficiency (MCC1D). Also called: MCCD TYPE 1; METHYLCROTONYLGLYCINURIA TYPE I; MCC 1 deficiency; 3 Alpha methylcrotonylglycinuria 1. Identifiers: Orphanet 6, MedGen CN028786, MONDO:0008861, OMIM 210200.

Allele frequency attached by ClinVar (database versions not stated): gnomAD 0.00001; TOPMed 0.00002.
gnomAD v4.1: 1 of 1,614,036 alleles (0.000062%); highest among the groups gnomAD compares: African/African-American, 0.0013%; no homozygotes.

Submission:

Labcorp Genetics (formerly Invitae), Labcorp
Classification: Pathogenic for 3-methylcrotonyl-CoA carboxylase 1 deficiency. Last evaluated: 2019-11-25. Review status: criteria provided, single submitter. Criteria: Invitae Variant Classification Sherloc (09022015). Collection method: clinical testing. Allele origin: germline.
Comment: For these reasons, this variant has been classified as Pathogenic. Loss-of-function variants in MCCC1 are known to be pathogenic (PMID: 11181649, 15359379, 22642865). This variant has not been reported in the literature in individuals with MCCC1-related disease. This variant is not present in population databases (ExAC no frequency). This sequence change creates a premature translational stop signal (p.Gln115*) in the MCCC1 gene. It is expected to result in an absent or disrupted protein product.

Literature cited by the submitters: PubMed 11181649; PubMed 15359379; PubMed 22642865.

NM_020166.5(MCCC1):c.343C>T (p.Gln115Ter)

Gene: MCCC1 (methylcrotonyl-CoA carboxylase subunit 1; minus strand). Cytogenetic location: 3q27.1.
Variant type: single nucleotide variant.
Coding change: c.343C>T on transcript NM_020166.5 (MANE Select); coding-DNA position 343, C replaced by T.
Protein change: p.Gln115Ter; replaces glutamine 115 with a stop codon.
Molecular consequence: nonsense. On other transcripts: synonymous variant (1), non-coding transcript variant (1).
Genome position (GRCh38, 1-based): chr3:183,086,719, G>A on the plus strand (C>T on the coding strand, the complement: MCCC1 is on the minus strand). VCF-style: chr3-183086719-G-A. GRCh37 (hg19) VCF-style: chr3-182804507-G-A.
Other names: c.114C>T, p.Phe38= (NM_001293273.2); c.16C>T, p.Gln6Ter (NM_001363880.1); short protein forms Q115*, Q6*.
Identifiers: ClinVar variation 570190 (VCV000570190.8), dbSNP rs920162850, ClinGen allele CA88707733.